The following is an entry in ClinVar:

ClinVar aggregate classification (germline): Uncertain significance (1 of 4 stars; one submission).

gnomAD v4.1: 29 of 1,613,616 alleles (0.0018%); highest among the groups gnomAD compares: South Asian, 0.021%; no homozygotes.

Submission:

Labcorp Genetics (formerly Invitae), Labcorp
Classification: Uncertain significance. Last evaluated: 2025-06-22. Review status: criteria provided, single submitter. Criteria: Invitae Variant Classification Sherloc (09022015). Collection method: clinical testing. Allele origin: germline.
Comment: This sequence change replaces isoleucine, which is neutral and non-polar, with valine, which is neutral and non-polar, at codon 254 of the TFRC protein (p.Ile254Val). This variant is present in population databases (rs41303529, gnomAD 0.02%). This variant has not been reported in the literature in individuals affected with TFRC-related conditions. Invitae Evidence Modeling of protein sequence and biophysical properties (such as structural, functional, and spatial information, amino acid conservation, physicochemical variation, residue mobility, and thermodynamic stability) indicates that this missense variant is not expected to disrupt TFRC protein function with a negative predictive value of 80%. In summary, the available evidence is currently insufficient to determine the role of this variant in disease. Therefore, it has been classified as a Variant of Uncertain Significance.

NM_001128148.3(TFRC):c.760A>G (p.Ile254Val)

Gene: TFRC (transferrin receptor; minus strand). Cytogenetic location: 3q29.
Variant type: single nucleotide variant.
Coding change: c.760A>G on transcript NM_001128148.3 (MANE Select); coding-DNA position 760, A replaced by G.
Protein change: p.Ile254Val; replaces isoleucine 254 with valine.
Molecular consequence: missense variant. On other transcripts: 5 prime UTR variant (1).
Genome position (GRCh38, 1-based): chr3:196,069,496, T>C on the plus strand (A>G on the coding strand, the complement: TFRC is on the minus strand). VCF-style: chr3-196069496-T-C. GRCh37 (hg19) VCF-style: chr3-195796367-T-C.
Other names: c.517A>G, p.Ile173Val (NM_001313965.2); c.-87A>G (NM_001313966.2); c.760A>G, p.Ile254Val (NM_003234.4); short protein forms I254V, I173V.
Identifiers: ClinVar variation 4738364 (VCV004738364.1).
Genomic context (GRCh38, chr3:196,069,496, plus strand): 5'-TATAATAACTCATACTCACCTTTTCTGCAAAGGTGATTTTCCCTGCTCTGACAATCACTA[T>C]AGATCCATTCACAGGAGTGTATAAATCCTCAAAATCTTTTTTAGTACCAAAATTAGCATG-3'
Protein context (NP_001121620.1, residues 244-264): EDLYTPVNGS[Ile254Val]VIVRAGKITF